The following is an entry in ClinVar:

NM_000080.4(CHRNE):c.1282A>T (p.Asn428Tyr)

Gene: CHRNE (cholinergic receptor nicotinic epsilon subunit; minus strand). Cytogenetic location: 17p13.2.
Variant type: single nucleotide variant.
Coding change: c.1282A>T on transcript NM_000080.4 (MANE Select); coding-DNA position 1282, A replaced by T.
Protein change: p.Asn428Tyr; replaces asparagine 428 with tyrosine.
Molecular consequence: missense variant.
Genome position (GRCh38, 1-based): chr17:4,899,045, T>A on the plus strand (A>T on the coding strand, the complement: CHRNE is on the minus strand). VCF-style: chr17-4899045-T-A. GRCh37 (hg19) VCF-style: chr17-4802340-T-A.
Other names: short protein forms N428Y.
Identifiers: ClinVar variation 2030252 (VCV002030252.2), dbSNP rs758716291, ClinGen allele CA8313905.

ClinVar aggregate classification (germline): Uncertain significance (1 of 4 stars; one submission).

Conditions:
Congenital myasthenic syndrome 4A. Also called: Myasthenic syndrome, congenital, 4a, slow-channel; CONGENITAL MYASTHENIC SYNDROME TYPE Ia1; MYASTHENIC SYNDROME, CONGENITAL, 4A, SLOW-CHANNEL, AUTOSOMAL RECESSIVE. Identifiers: Orphanet 590, MedGen C4225413, MONDO:0011600, OMIM 605809.

Allele frequency attached by ClinVar (database versions not stated): gnomAD 0.00005; ExAC 0.00027.
gnomAD v4.1: 130 of 1,611,652 alleles (0.0081%); highest among the groups gnomAD compares: South Asian, 0.14%; no homozygotes.

Submission:

Labcorp Genetics (formerly Invitae), Labcorp
Classification: Uncertain significance for Congenital myasthenic syndrome 4A. Last evaluated: 2024-12-15. Review status: criteria provided, single submitter. Criteria: Invitae Variant Classification Sherloc (09022015). Collection method: clinical testing. Allele origin: germline.
Comment: This sequence change replaces asparagine, which is neutral and polar, with tyrosine, which is neutral and polar, at codon 428 of the CHRNE protein (p.Asn428Tyr). This variant is present in population databases (rs758716291, gnomAD 0.1%). This variant has not been reported in the literature in individuals affected with CHRNE-related conditions. ClinVar contains an entry for this variant (Variation ID: 2030252). Invitae Evidence Modeling of protein sequence and biophysical properties (such as structural, functional, and spatial information, amino acid conservation, physicochemical variation, residue mobility, and thermodynamic stability) indicates that this missense variant is expected to disrupt CHRNE protein function with a positive predictive value of 95%. In summary, the available evidence is currently insufficient to determine the role of this variant in disease. Therefore, it has been classified as a Variant of Uncertain Significance.